The following is an entry in ClinVar:

NM_130384.3(ATRIP):c.2279G>A (p.Arg760Gln)

Genes: ATRIP (ATR interacting protein; plus strand), ATRIP-TREX1 (ATRIP-TREX1 readthrough; plus strand). Cytogenetic location: 3p21.31.
Variant type: single nucleotide variant.
Coding change: c.2279G>A on transcript NM_130384.3 (MANE Select); coding-DNA position 2279, G replaced by A.
Protein change: p.Arg760Gln; replaces arginine 760 with glutamine.
Molecular consequence: missense variant. On other transcripts: non-coding transcript variant (1).
Genome position (GRCh38, 1-based): chr3:48,465,054, G>A. VCF-style: chr3-48465054-G-A. GRCh37 (hg19) VCF-style: chr3-48506453-G-A.
Other names: c.1898G>A, p.Arg633Gln (NM_001271022.2); c.2000G>A, p.Arg667Gln (NM_001271023.2); c.2198G>A, p.Arg733Gln (NM_032166.4); short protein forms R733Q, R760Q, R633Q, R667Q.
Identifiers: ClinVar variation 3809414 (VCV003809414.1).

ClinVar aggregate classification (germline): Uncertain significance (1 of 4 stars; one submission).

gnomAD v4.1: 20 of 1,612,774 alleles (0.0012%); highest among the groups gnomAD compares: East Asian, 0.0022%; 1 homozygote.

Submission:

Ambry Genetics
Classification: Uncertain significance. Last evaluated: 2024-12-31. Review status: criteria provided, single submitter. Criteria: Ambry Variant Classification Scheme 2023. Collection method: clinical testing. Allele origin: germline.
Comment: The p.R760Q variant (also known as c.2279G>A), located in coding exon 12 of the ATRIP gene, results from a G to A substitution at nucleotide position 2279. The arginine at codon 760 is replaced by glutamine, an amino acid with highly similar properties. This amino acid position is conserved. In addition, this alteration is predicted to be tolerated by in silico analysis. Based on the available evidence, the clinical significance of this variant remains unclear.